The following is an entry in ClinVar:

NM_000404.4(GLB1):c.1375_1377del (p.Asn459del)

Gene: GLB1 (galactosidase beta 1; minus strand). Cytogenetic location: 3p22.3.
Variant type: Deletion.
Coding change: c.1375_1377del on transcript NM_000404.4 (MANE Select); coding-DNA positions 1375 to 1377, 3 bases deleted (AAT; older notation c.1375_1377delAAT).
Protein change: p.Asn459del; deletes asparagine 459.
Molecular consequence: inframe deletion.
Genome position (GRCh38, 1-based): chr3:33,016,811-33,016,813, ATT deleted on the plus strand (AAT on the coding strand, the reverse complement: GLB1 is on the minus strand). VCF-style (leftmost placement, unchanged base first): chr3-33016810-CATT-C. GRCh37 (hg19) VCF-style: chr3-33058302-CATT-C.
Other names: c.1285_1287del, p.Asn429del (NM_001079811.3); c.982_984del, p.Asn328del (NM_001135602.3); c.1519_1521del, p.Asn507del (NM_001317040.2); c.1375_1377del, p.Asn459del (NM_001393580.1); short protein forms N328del, N429del, N459del, N507del.
Identifiers: ClinVar variation 2941656 (VCV002941656.3), dbSNP rs767949963, ClinGen allele CA72648692.

ClinVar aggregate classification (germline): Uncertain significance (1 of 4 stars; one submission).

Conditions:
Mucopolysaccharidosis, MPS-IV-B (MPS4B). Also called: Mucopolysaccharidosis type 4B; Mucopolysaccharidosis type IVB (Morquio); MPS IVB; MORQUIO SYNDROME B; Mucopolysaccharidosis type IV B; Mucopolysaccharidosis Type IVB. Identifiers: Orphanet 309310, Orphanet 582, MedGen C0086652, MONDO:0009660, OMIM 253010.
GM1 gangliosidosis. Identifiers: Orphanet 354, MedGen C0085131, MONDO:0018149.

Submission:

Labcorp Genetics (formerly Invitae), Labcorp
Classification: Uncertain significance for Mucopolysaccharidosis, MPS-IV-B; GM1 gangliosidosis. Last evaluated: 2022-12-08. Review status: criteria provided, single submitter. Criteria: Invitae Variant Classification Sherloc (09022015). Collection method: clinical testing. Allele origin: germline.
Comment: In summary, the available evidence is currently insufficient to determine the role of this variant in disease. Therefore, it has been classified as a Variant of Uncertain Significance. Experimental studies and prediction algorithms are not available or were not evaluated, and the functional significance of this variant is currently unknown. This variant has not been reported in the literature in individuals affected with GLB1-related conditions. This variant is not present in population databases (gnomAD no frequency). This variant, c.1375_1377del, results in the deletion of 1 amino acid(s) of the GLB1 protein (p.Asn459del), but otherwise preserves the integrity of the reading frame.